The following is an entry in ClinVar:

NM_198859.4(PRICKLE2):c.2091C>A (p.Asn697Lys)

Genes: PRICKLE2 (prickle planar cell polarity protein 2; minus strand), PRICKLE2-AS1 (PRICKLE2 antisense RNA 1; plus strand). Cytogenetic location: 3p14.1.
Variant type: single nucleotide variant.
Coding change: c.2091C>A on transcript NM_198859.4 (MANE Select); coding-DNA position 2091, C replaced by A.
Protein change: p.Asn697Lys; replaces asparagine 697 with lysine.
Molecular consequence: missense variant. On other transcripts: non-coding transcript variant (1).
Genome position (GRCh38, 1-based): chr3:64,099,495, G>T on the plus strand (C>A on the coding strand, the complement: PRICKLE2 is on the minus strand). VCF-style: chr3-64099495-G-T. GRCh37 (hg19) VCF-style: chr3-64085171-G-T.
Other names: c.2091C>A, p.Asn697Lys (NM_001370528.1); short protein forms N697K.
Identifiers: ClinVar variation 3686974 (VCV003686974.2).

ClinVar aggregate classification (germline): Uncertain significance (1 of 4 stars; one submission).

Conditions:
Progressive myoclonic epilepsy type 5. Identifiers: Orphanet 402082, MedGen C5190799.

Submission:

Labcorp Genetics (formerly Invitae), Labcorp
Classification: Uncertain significance for Progressive myoclonic epilepsy type 5. Last evaluated: 2024-03-21. Review status: criteria provided, single submitter. Criteria: Invitae Variant Classification Sherloc (09022015). Collection method: clinical testing. Allele origin: germline.
Comment: This sequence change replaces asparagine, which is neutral and polar, with lysine, which is basic and polar, at codon 697 of the PRICKLE2 protein (p.Asn697Lys). This variant is not present in population databases (gnomAD no frequency). This variant has not been reported in the literature in individuals affected with PRICKLE2-related conditions. Advanced modeling of protein sequence and biophysical properties (such as structural, functional, and spatial information, amino acid conservation, physicochemical variation, residue mobility, and thermodynamic stability) performed at Invitae indicates that this missense variant is expected to disrupt PRICKLE2 protein function with a positive predictive value of 80%. In summary, the available evidence is currently insufficient to determine the role of this variant in disease. Therefore, it has been classified as a Variant of Uncertain Significance.